The following is an entry in ClinVar:

ClinVar aggregate classification (germline): Uncertain significance. Review status: criteria provided, multiple submitters, no conflicts (2 of 4 stars). 2 submissions from 2 submitters: Uncertain significance (2). Last evaluated 2026-02-24.

Conditions:
Familial thoracic aortic aneurysm and aortic dissection (TAAD). Also called: Thoracic aortic aneurysms and dissections. Identifiers: Orphanet 91387, MedGen C4707243, MONDO:0019625.

Submissions (2):

GeneDx
Classification: Uncertain significance. Last evaluated: 2026-02-24. Review status: criteria provided, single submitter. Criteria: GeneDx Variant Classification Process June 2021. Collection method: clinical testing. Allele origin: germline.
Comment: Has not been previously published as pathogenic or benign to our knowledge; Not observed at significant frequency in large population cohorts (gnomAD); In silico analysis supports that this missense variant has a deleterious effect on protein structure/function

Labcorp Genetics (formerly Invitae), Labcorp
Classification: Uncertain significance for Familial thoracic aortic aneurysm and aortic dissection. Last evaluated: 2021-06-03. Review status: criteria provided, single submitter. Criteria: Invitae Variant Classification Sherloc (09022015). Collection method: clinical testing. Allele origin: germline.
Comment: This sequence change replaces leucine with proline at codon 97 of the SMAD3 protein (p.Leu97Pro). The leucine residue is highly conserved and there is a moderate physicochemical difference between leucine and proline. This variant is not present in population databases (ExAC no frequency). This variant has been observed in individual(s) with clinical features of SMAD3-related conditions (Invitae). Advanced modeling of protein sequence and biophysical properties (such as structural, functional, and spatial information, amino acid conservation, physicochemical variation, residue mobility, and thermodynamic stability) performed at Invitae indicates that this missense variant is expected to disrupt SMAD3 protein function. In summary, the available evidence is currently insufficient to determine the role of this variant in disease. Therefore, it has been classified as a Variant of Uncertain Significance.

NM_005902.4(SMAD3):c.290T>C (p.Leu97Pro)

Gene: SMAD3 (SMAD family member 3; plus strand). Cytogenetic location: 15q22.33.
Variant type: single nucleotide variant.
Coding change: c.290T>C on transcript NM_005902.4 (MANE Select); coding-DNA position 290, T replaced by C.
Protein change: p.Leu97Pro; replaces leucine 97 with proline.
Molecular consequence: missense variant. On other transcripts: 5 prime UTR variant (1).
Genome position (GRCh38, 1-based): chr15:67,164,978, T>C. VCF-style: chr15-67164978-T-C. GRCh37 (hg19) VCF-style: chr15-67457316-T-C.
Other names: c.-26T>C (NM_001145102.2); c.158T>C, p.Leu53Pro (NM_001145103.2); c.290T>C (NM_005902.3); short protein forms L53P, L97P.
Identifiers: ClinVar variation 1518370 (VCV001518370.8), dbSNP rs1595941698, ClinGen allele CA392953938.